The following is an entry in ClinVar:

NM_000051.4(ATM):c.508G>A (p.Val170Met)

Gene: ATM (ATM serine/threonine kinase; plus strand). Cytogenetic location: 11q22.3.
Variant type: single nucleotide variant.
Coding change: c.508G>A on transcript NM_000051.4 (MANE Select); coding-DNA position 508, G replaced by A.
Protein change: p.Val170Met; replaces valine 170 with methionine.
Molecular consequence: missense variant.
Genome position (GRCh38, 1-based): chr11:108,243,964, G>A. VCF-style: chr11-108243964-G-A. GRCh37 (hg19) VCF-style: chr11-108114691-G-A.
Other names: c.508G>A, p.Val170Met (NM_001351834.2); short protein forms V170M.
Identifiers: ClinVar variation 918666 (VCV000918666.11), dbSNP rs786202781, ClinGen allele CA382527470.

ClinVar aggregate classification (germline): Uncertain significance. Review status: criteria provided, multiple submitters, no conflicts (2 of 4 stars). 3 submissions from 3 submitters: Uncertain significance (3). Last evaluated 2025-03-31.

Conditions:
Breast and/or ovarian cancer. Identifiers: MedGen CN221562.
Hereditary cancer-predisposing syndrome. Also called: Hereditary Cancer Syndrome; Hereditary neoplastic syndrome; Neoplastic Syndromes, Hereditary; Tumor predisposition. Identifiers: Orphanet 140162, MedGen C0027672, MeSH D009386, MONDO:0015356.
Ataxia-telangiectasia syndrome (AT). Also called: Ataxia-telangiectasia, complementation group E; LOUIS-BAR SYNDROME; Cerebello-oculocutaneous telangiectasia; Immunodeficiency with ataxia telangiectasia; Ataxia-telangiectasia, complementation group D; AT, COMPLEMENTATION GROUP C. Identifiers: Orphanet 100, MedGen C0004135, MONDO:0008840, OMIM 208900.

Submissions (3):

Labcorp Genetics (formerly Invitae), Labcorp
Classification: Uncertain significance for Ataxia-telangiectasia syndrome. Last evaluated: 2025-03-31. Review status: criteria provided, single submitter. Criteria: Invitae Variant Classification Sherloc (09022015). Collection method: clinical testing. Allele origin: germline.
Comment: This sequence change replaces valine, which is neutral and non-polar, with methionine, which is neutral and non-polar, at codon 170 of the ATM protein (p.Val170Met). This variant is not present in population databases (gnomAD no frequency). This variant has not been reported in the literature in individuals affected with ATM-related conditions. ClinVar contains an entry for this variant (Variation ID: 918666). Invitae Evidence Modeling of protein sequence and biophysical properties (such as structural, functional, and spatial information, amino acid conservation, physicochemical variation, residue mobility, and thermodynamic stability) indicates that this missense variant is not expected to disrupt ATM protein function with a negative predictive value of 95%. In summary, the available evidence is currently insufficient to determine the role of this variant in disease. Therefore, it has been classified as a Variant of Uncertain Significance.

Color Diagnostics, LLC DBA Color Health
Classification: Uncertain significance for Hereditary cancer-predisposing syndrome. Last evaluated: 2023-12-04. Review status: criteria provided, single submitter. Criteria: ACMG Guidelines, 2015. Collection method: clinical testing. Allele origin: germline.
Comment: This missense variant replaces valine with methionine at codon 170 of the ATM protein. Computational prediction suggests that this variant may not impact protein structure and function (internally defined REVEL score threshold <= 0.5, PMID: 27666373). To our knowledge, functional studies have not been reported for this variant. This variant has not been reported in individuals affected with ATM-related disorders in the literature. This variant has not been identified in the general population by the Genome Aggregation Database (gnomAD). The available evidence is insufficient to determine the role of this variant in disease conclusively. Therefore, this variant is classified as a Variant of Uncertain Significance.

CHEO Genetics Diagnostic Laboratory, Children's Hospital of Eastern Ontario
Classification: Uncertain significance for Breast and/or ovarian cancer. Last evaluated: 2023-04-17. Review status: criteria provided, single submitter. Criteria: ACMG Guidelines, 2015. Collection method: clinical testing. Allele origin: germline.